The following is an entry in ClinVar:

ClinVar aggregate classification (germline): Uncertain significance. Review status: criteria provided, multiple submitters, no conflicts (2 of 4 stars). 4 submissions from 4 submitters: Uncertain significance (4). Last evaluated 2025-11-16.

Conditions:
Hypertrophic cardiomyopathy 1 (CMH1). Also called: Familial hypertrophic cardiomyopathy 1; MYH7-Related Familial Hypertrophic Cardiomyopathy. Identifiers: MedGen C3495498, MONDO:0008647, OMIM 192600.
Hypertrophic cardiomyopathy 14. Identifiers: MedGen C2750467, MONDO:0013197, OMIM 613251.
Dilated cardiomyopathy 1EE (CMD1EE). Identifiers: Orphanet 154, MedGen C2750466, MONDO:0013198, OMIM 613252.
Sick sinus syndrome 3, susceptibility to (SSS3). Identifiers: Orphanet 166282, MedGen C3279791, MONDO:0013568, OMIM 614090.
Atrial septal defect 3 (ASD3). Identifiers: Orphanet 1478, MedGen C3279790, MONDO:0013567, OMIM 614089.

Allele frequency attached by ClinVar (database versions not stated): gnomAD exomes 0.00001 and 0.00002; ExAC 0.00002; gnomAD 0.00002; TOPMed 0.00002.
gnomAD v4.1: 37 of 1,614,092 alleles (0.0023%); highest among the groups gnomAD compares: Non-Finnish European, 0.0031%; no homozygotes.

Submissions (4):

Labcorp Genetics (formerly Invitae), Labcorp
Classification: Uncertain significance for Hypertrophic cardiomyopathy 14. Last evaluated: 2025-11-16. Review status: criteria provided, single submitter. Criteria: Invitae Variant Classification Sherloc (09022015). Collection method: clinical testing. Allele origin: germline.
Comment: This sequence change replaces isoleucine, which is neutral and non-polar, with threonine, which is neutral and polar, at codon 512 of the MYH6 protein (p.Ile512Thr). This variant is present in population databases (rs397516756, gnomAD 0.002%). This missense change has been observed in individual(s) with congenital heart disease (PMID: 28991257). ClinVar contains an entry for this variant (Variation ID: 44454). Invitae Evidence Modeling of protein sequence and biophysical properties (such as structural, functional, and spatial information, amino acid conservation, physicochemical variation, residue mobility, and thermodynamic stability) indicates that this missense variant is expected to disrupt MYH6 protein function with a positive predictive value of 80%. In summary, the available evidence is currently insufficient to determine the role of this variant in disease. Therefore, it has been classified as a Variant of Uncertain Significance.

Fulgent Genetics
Classification: Uncertain significance for Hypertrophic cardiomyopathy 1; Hypertrophic cardiomyopathy 14; Dilated cardiomyopathy 1EE; Atrial septal defect 3; Sick sinus syndrome 3, susceptibility to. Last evaluated: 2021-09-29. Review status: criteria provided, single submitter. Criteria: ACMG Guidelines, 2015. Collection method: clinical testing. Allele origin: unknown.

AiLife Diagnostics
Classification: Uncertain significance. Last evaluated: 2021-07-23. Review status: criteria provided, single submitter. Criteria: ACMG Guidelines, 2015. Collection method: clinical testing. Allele origin: germline. Affected: yes. Observed: 1 variant allele.

Laboratory for Molecular Medicine, Mass General Brigham Personalized Medicine
Classification: Uncertain significance. Last evaluated: 2012-09-26. Review status: criteria provided, single submitter. Criteria: LMM Criteria. Collection method: clinical testing. Allele origin: germline. Observed: 1 variant allele.
Comment: The Ile512Thr variant in MYH6 has not been reported in the literature nor previo usly identified by our laboratory. Computational analyses (biochemical amino aci d properties, conservation, AlignGVGD, PolyPhen2, and SIFT) do not provide stron g support for or against an impact to the protein. Additional information is nee ded to fully assess the clinical significance of this variant.

Literature cited by the submitters: PubMed 28991257 (cited by Labcorp Genetics (formerly Invitae), Labcorp and AiLife Diagnostics); PubMed 21378987 (cited by Laboratory for Molecular Medicine, Mass General Brigham Personalized Medicine).

NM_002471.4(MYH6):c.1535T>C (p.Ile512Thr)

Gene: MYH6 (myosin heavy chain 6; minus strand). Cytogenetic location: 14q11.2.
Variant type: single nucleotide variant.
Coding change: c.1535T>C on transcript NM_002471.4 (MANE Select); coding-DNA position 1535, T replaced by C.
Protein change: p.Ile512Thr; replaces isoleucine 512 with threonine.
Molecular consequence: missense variant.
Genome position (GRCh38, 1-based): chr14:23,400,302, A>G on the plus strand (T>C on the coding strand, the complement: MYH6 is on the minus strand). VCF-style: chr14-23400302-A-G. GRCh37 (hg19) VCF-style: chr14-23869511-A-G.
Other names: short protein forms I512T.
Identifiers: ClinVar variation 44454 (VCV000044454.6), dbSNP rs397516756, ClinGen allele CA134245.